The following is an entry in ClinVar:

ClinVar aggregate classification (germline): Benign (1 of 4 stars; one submission).

Allele frequency attached by ClinVar (database versions not stated): gnomAD 0.04234 and 0.04350; TOPMed 0.04386; 1000 Genomes Project 30x 0.04669; 1000 Genomes Project 0.04732.
gnomAD v4.1: 6,581 of 151,738 alleles (4.3%); highest among the groups gnomAD compares: Middle Eastern, 7.6%; 175 homozygotes.

Submission:

GeneDx
Classification: Benign. Last evaluated: 2018-06-14. Review status: criteria provided, single submitter. Criteria: GeneDx Variant Classification (06012015). Collection method: clinical testing. Allele origin: germline. Affected: yes.
Comment: This variant is considered likely benign or benign based on one or more of the following criteria: it is a conservative change, it occurs at a poorly conserved position in the protein, it is predicted to be benign by multiple in silico algorithms, and/or has population frequency not consistent with disease.

NM_004453.4(ETFDH):c.1690+292C>A

Gene: ETFDH (electron transfer flavoprotein dehydrogenase; plus strand). Cytogenetic location: 4q32.1.
Variant type: single nucleotide variant.
Coding change: c.1690+292C>A on transcript NM_004453.4 (MANE Select); 292 bases into the intron after coding-DNA position 1690, C replaced by A.
Molecular consequence: intron variant.
Genome position (GRCh38, 1-based): chr4:158,707,142, C>A. VCF-style: chr4-158707142-C-A. GRCh37 (hg19) VCF-style: chr4-159628294-C-A.
Other names: c.1549+292C>A (NM_001281737.2); c.1507+292C>A (NM_001281738.1).
Identifiers: ClinVar variation 669912 (VCV000669912.1), dbSNP rs76559855, ClinGen allele CA15327058.